The following is an entry in ClinVar:

NM_182914.3(SYNE2):c.16718G>T (p.Arg5573Leu)

Gene: SYNE2 (spectrin repeat containing nuclear envelope protein 2; plus strand). Cytogenetic location: 14q23.2.
Variant type: single nucleotide variant.
Coding change: c.16718G>T on transcript NM_182914.3 (MANE Select); coding-DNA position 16718, G replaced by T.
Protein change: p.Arg5573Leu; replaces arginine 5573 with leucine.
Molecular consequence: missense variant.
Genome position (GRCh38, 1-based): chr14:64,167,345, G>T. VCF-style: chr14-64167345-G-T. GRCh37 (hg19) VCF-style: chr14-64634063-G-T.
Other names: c.16718G>T, p.Arg5573Leu (NM_015180.6); short protein forms R5573L.
Identifiers: ClinVar variation 3001100 (VCV003001100.3), dbSNP rs149227847, ClinGen allele CA261830804.
Genomic context (GRCh38, chr14:64,167,345, plus strand): 5'-AAGTGAGCCTCAAGCTCCCACTTAGTGACGTAGCTGTGAAGACGTTACAAAATATGAACC[G>T]GCAATGGATTCGGGCCACGGCCACGGCACTGGAGCGCTGCAGGTTAGAACATCCCTTCTC-3'
Protein context (NP_878918.2, residues 5563-5583): VAVKTLQNMN[Arg5573Leu]QWIRATATAL

ClinVar aggregate classification (germline): Uncertain significance (1 of 4 stars; one submission).

Conditions:
Emery-Dreifuss muscular dystrophy 5, autosomal dominant (EDMD5). Also called: EMERY-DREIFUSS MUSCULAR DYSTROPHY 5. Identifiers: Orphanet 261, MedGen C2751805, MONDO:0013072, OMIM 612999.

gnomAD v4.1: 6 of 1,614,170 alleles (0.00037%); highest among the groups gnomAD compares: Non-Finnish European, 0.00051%; no homozygotes.

Submission:

Labcorp Genetics (formerly Invitae), Labcorp
Classification: Uncertain significance for Emery-Dreifuss muscular dystrophy 5, autosomal dominant. Last evaluated: 2023-07-16. Review status: criteria provided, single submitter. Criteria: Invitae Variant Classification Sherloc (09022015). Collection method: clinical testing. Allele origin: germline.
Comment: In summary, the available evidence is currently insufficient to determine the role of this variant in disease. Therefore, it has been classified as a Variant of Uncertain Significance. An algorithm developed to predict the effect of missense changes on protein structure and function (PolyPhen-2) suggests that this variant is likely to be disruptive. This variant has not been reported in the literature in individuals affected with SYNE2-related conditions. This variant is present in population databases (rs149227847, gnomAD 0.0009%). This sequence change replaces arginine, which is basic and polar, with leucine, which is neutral and non-polar, at codon 5573 of the SYNE2 protein (p.Arg5573Leu).